The following is an entry in ClinVar:

ClinVar aggregate classification (germline): Likely benign. Review status: criteria provided, multiple submitters, no conflicts (2 of 4 stars). 3 submissions from 3 submitters: Likely benign (3). Last evaluated 2025-08-19.

Conditions:
RASopathy. Also called: rasopathies; Noonan spectrum disorder. Identifiers: Orphanet 536391, MedGen C5555857, MONDO:0021060.
Cardiovascular phenotype. Identifiers: MedGen CN230736.

Allele frequency attached by ClinVar (database versions not stated): gnomAD exomes below 0.00001 and 0.00001; TOPMed 0.00001; gnomAD 0.00002.
gnomAD v4.1: 12 of 1,614,094 alleles (0.00074%); highest among the groups gnomAD compares: African/African-American, 0.004%; no homozygotes.

Submissions (3):

Ambry Genetics
Classification: Likely benign for Cardiovascular phenotype. Last evaluated: 2025-08-19. Review status: criteria provided, single submitter. Criteria: Ambry Variant Classification Scheme 2023. Collection method: clinical testing. Allele origin: germline.

Labcorp Genetics (formerly Invitae), Labcorp
Classification: Likely benign for RASopathy. Last evaluated: 2024-06-03. Review status: criteria provided, single submitter. Criteria: Invitae Variant Classification Sherloc (09022015). Collection method: clinical testing. Allele origin: germline.

GeneDx
Classification: Likely benign. Last evaluated: 2017-03-06. Review status: criteria provided, single submitter. Criteria: GeneDx Variant Classification (06012015). Collection method: clinical testing. Allele origin: germline. Affected: yes.
Comment: This variant is considered likely benign or benign based on one or more of the following criteria: it is a conservative change, it occurs at a poorly conserved position in the protein, it is predicted to be benign by multiple in silico algorithms, and/or has population frequency not consistent with disease.

NM_002880.4(RAF1):c.945A>G (p.Gln315=)

Gene: RAF1 (Raf-1 proto-oncogene, serine/threonine kinase; minus strand). Cytogenetic location: 3p25.2.
Variant type: single nucleotide variant.
Coding change: c.945A>G on transcript NM_002880.4 (MANE Select); coding-DNA position 945, A replaced by G.
Protein change: p.Gln315=; no amino-acid change (glutamine 315 retained).
Molecular consequence: synonymous variant. On other transcripts: non-coding transcript variant (3).
Genome position (GRCh38, 1-based): chr3:12,600,197, T>C on the plus strand (A>G on the coding strand, the complement: RAF1 is on the minus strand). VCF-style: chr3-12600197-T-C. GRCh37 (hg19) VCF-style: chr3-12641696-T-C.
Other names: c.1005A>G, p.Gln335= (NM_001354689.3); c.945A>G, p.Gln315= (NM_001354690.3); c.702A>G, p.Gln234= (NM_001354691.3, NM_001354692.3); c.846A>G, p.Gln282= (NM_001354693.3); c.762A>G, p.Gln254= (NM_001354694.3); c.603A>G, p.Gln201= (NM_001354695.3).
Identifiers: ClinVar variation 507704 (VCV000507704.5), dbSNP rs1451849309, ClinGen allele CA432273950.